The following is an entry in ClinVar:

ClinVar aggregate classification (germline): Uncertain significance (1 of 4 stars; one submission).

Conditions:
Immunodeficiency 23 (IMD23). Also called: IMMUNODEFICIENCY WITH HYPER IgE AND COGNITIVE IMPAIRMENT; IMMUNODEFICIENCY-VASCULITIS-MYOCLONUS SYNDROME. Identifiers: Orphanet 443811, MedGen C4014371, MONDO:0014353, OMIM 615816.

Submission:

Labcorp Genetics (formerly Invitae), Labcorp
Classification: Uncertain significance for Immunodeficiency 23. Last evaluated: 2021-08-28. Review status: criteria provided, single submitter. Criteria: Invitae Variant Classification Sherloc (09022015). Collection method: clinical testing. Allele origin: germline.
Comment: This sequence change replaces methionine with leucine at codon 193 of the PGM3 protein (p.Met193Leu). The methionine residue is moderately conserved and there is a small physicochemical difference between methionine and leucine. This variant is present in population databases (rs757625553, ExAC 0.03%). This variant has not been reported in the literature in individuals affected with PGM3-related conditions. Algorithms developed to predict the effect of missense changes on protein structure and function output the following: SIFT: "Tolerated"; PolyPhen-2: "Benign"; Align-GVGD: "Class C0". The leucine amino acid residue is found in multiple mammalian species, which suggests that this missense change does not adversely affect protein function. In summary, the available evidence is currently insufficient to determine the role of this variant in disease. Therefore, it has been classified as a Variant of Uncertain Significance.

NM_015599.3(PGM3):c.493A>T (p.Met165Leu)

Gene: PGM3 (phosphoglucomutase 3; minus strand). Cytogenetic location: 6q14.1.
Variant type: single nucleotide variant.
Coding change: c.493A>T on transcript NM_015599.3 (MANE Select); coding-DNA position 493, A replaced by T.
Protein change: p.Met165Leu; replaces methionine 165 with leucine.
Molecular consequence: missense variant. On other transcripts: non-coding transcript variant (1).
Genome position (GRCh38, 1-based): chr6:83,182,943, T>A on the plus strand (A>T on the coding strand, the complement: PGM3 is on the minus strand). VCF-style: chr6-83182943-T-A. GRCh37 (hg19) VCF-style: chr6-83892662-T-A.
Other names: c.577A>T, p.Met193Leu (NM_001199917.2, NM_001367287.1); c.250A>T, p.Met84Leu (NM_001199918.2); c.493A>T, p.Met165Leu (NM_001199919.2, NM_001367286.1); short protein forms M193L, M84L, M165L.
Identifiers: ClinVar variation 1475874 (VCV001475874.5), dbSNP rs757625553, ClinGen allele CA3906741.